The following is an entry in ClinVar:

ClinVar aggregate classification (germline): Uncertain significance (1 of 4 stars; one submission).

gnomAD v4.1: 15 of 1,614,010 alleles (0.00093%); highest among the groups gnomAD compares: Non-Finnish European, 0.0011%; no homozygotes.

Submission:

Labcorp Genetics (formerly Invitae), Labcorp
Classification: Uncertain significance. Last evaluated: 2024-03-13. Review status: criteria provided, single submitter. Criteria: Invitae Variant Classification Sherloc (09022015). Collection method: clinical testing. Allele origin: germline.
Comment: This sequence change replaces valine, which is neutral and non-polar, with isoleucine, which is neutral and non-polar, at codon 384 of the NSD1 protein (p.Val384Ile). This variant is present in population databases (rs759976291, gnomAD 0.0009%). This variant has not been reported in the literature in individuals affected with NSD1-related conditions. Advanced modeling of protein sequence and biophysical properties (such as structural, functional, and spatial information, amino acid conservation, physicochemical variation, residue mobility, and thermodynamic stability) has been performed at Invitae for this missense variant, however the output from this modeling did not meet the statistical confidence thresholds required to predict the impact of this variant on NSD1 protein function. In summary, the available evidence is currently insufficient to determine the role of this variant in disease. Therefore, it has been classified as a Variant of Uncertain Significance.

NM_022455.5(NSD1):c.1150G>A (p.Val384Ile)

Gene: NSD1 (nuclear receptor binding SET domain protein 1; plus strand). Cytogenetic location: 5q35.3.
Variant type: single nucleotide variant.
Coding change: c.1150G>A on transcript NM_022455.5 (MANE Select); coding-DNA position 1150, G replaced by A.
Protein change: p.Val384Ile; replaces valine 384 with isoleucine.
Molecular consequence: missense variant.
Genome position (GRCh38, 1-based): chr5:177,204,206, G>A. VCF-style: chr5-177204206-G-A. GRCh37 (hg19) VCF-style: chr5-176631207-G-A.
Other names: c.277G>A, p.Val93Ile (NM_001365684.2, NM_001409306.1, NM_001409307.1 and 3 more transcripts); c.1150G>A, p.Val384Ile (NM_001409301.1, NM_001409302.1, NM_001409303.1); c.730G>A, p.Val244Ile (NM_001409304.1); c.397G>A, p.Val133Ile (NM_001409305.1); short protein forms V133I, V244I, V93I, V384I.
Identifiers: ClinVar variation 3713445 (VCV003713445.2).